The following is an entry in ClinVar:

NM_001348800.3(ZBTB20):c.636G>T (p.Pro212=)

Gene: ZBTB20 (zinc finger and BTB domain containing 20; minus strand). Cytogenetic location: 3q13.31.
Variant type: single nucleotide variant.
Coding change: c.636G>T on transcript NM_001348800.3 (MANE Select); coding-DNA position 636, G replaced by T.
Protein change: p.Pro212=; no amino-acid change (proline 212 retained).
Molecular consequence: synonymous variant.
Genome position (GRCh38, 1-based): chr3:114,351,442, C>A on the plus strand (G>T on the coding strand, the complement: ZBTB20 is on the minus strand). VCF-style: chr3-114351442-C-A. GRCh37 (hg19) VCF-style: chr3-114070289-C-A.
Other names: c.636G>T, p.Pro212= (NM_001164342.2, NM_001348803.3, NM_001393393.1 and 1 more transcripts); c.417G>T, p.Pro139= (NM_001164343.2, NM_001164344.4, NM_001164345.4 and 9 more transcripts).
Identifiers: ClinVar variation 736530 (VCV000736530.12), dbSNP rs143932166, ClinGen allele CA2551409.

ClinVar aggregate classification (germline): Likely benign. Review status: criteria provided, multiple submitters, no conflicts (2 of 4 stars). 3 submissions from 3 submitters: Likely benign (2). 1 of the submissions does not count toward it. Last evaluated 2026-06-01.

Conditions:
ZBTB20-related disorder. Also called: ZBTB20-related condition.

Allele frequency attached by ClinVar (database versions not stated): TOPMed 0.00007; gnomAD 0.00010; 1000 Genomes Project 30x 0.00031; 1000 Genomes Project 0.00040.
gnomAD v4.1: 70 of 1,613,394 alleles (0.0043%); highest among the groups gnomAD compares: Middle Eastern, 0.066%; no homozygotes.

Submissions (3):

CeGaT Center for Human Genetics Tuebingen
Classification: Likely benign. Last evaluated: 2026-06-01. Review status: criteria provided, single submitter. Criteria: CeGaT Center For Human Genetics Tuebingen Variant Classification Criteria Version 2. Collection method: clinical testing. Allele origin: germline. Affected: yes. Observed: 1 variant allele.
Comment: ZBTB20: BP4, BP7

Labcorp Genetics (formerly Invitae), Labcorp
Classification: Likely benign. Last evaluated: 2025-12-28. Review status: criteria provided, single submitter. Criteria: Invitae Variant Classification Sherloc (09022015). Collection method: clinical testing. Allele origin: germline.

PreventionGenetics, part of Exact Sciences
Classification: Likely benign for ZBTB20-related condition. Last evaluated: 2021-07-03. Review status: no assertion criteria provided. Collection method: clinical testing. Allele origin: germline. Not counted in ClinVar's aggregate classification.
Comment: This variant is classified as likely benign based on ACMG/AMP sequence variant interpretation guidelines (Richards et al. 2015 PMID: 25741868, with internal and published modifications).